The following is an entry in ClinVar:

ClinVar aggregate classification (germline): Uncertain significance (1 of 4 stars; one submission).

gnomAD v4.1: 59 of 1,528,504 alleles (0.0039%); highest among the groups gnomAD compares: Admixed American, 0.11%; no homozygotes.

Submission:

CeGaT Center for Human Genetics Tuebingen
Classification: Uncertain significance. Last evaluated: 2025-10-01. Review status: criteria provided, single submitter. Criteria: CeGaT Center For Human Genetics Tuebingen Variant Classification Criteria Version 2. Collection method: clinical testing. Allele origin: germline. Affected: yes. Observed: 1 variant allele.
Comment: CAPN15: PM2

NM_005632.3(CAPN15):c.1333C>T (p.Arg445Trp)

Gene: CAPN15 (calpain 15; plus strand). Cytogenetic location: 16p13.3.
Variant type: single nucleotide variant.
Coding change: c.1333C>T on transcript NM_005632.3 (MANE Select); coding-DNA position 1333, C replaced by T.
Protein change: p.Arg445Trp; replaces arginine 445 with tryptophan.
Molecular consequence: missense variant.
Genome position (GRCh38, 1-based): chr16:548,171, C>T. VCF-style: chr16-548171-C-T. GRCh37 (hg19) VCF-style: chr16-598171-C-T.
Other names: short protein forms R445W.
Identifiers: ClinVar variation 4534013 (VCV004534013.6).